The following is an entry in ClinVar:

ClinVar aggregate classification (germline): Uncertain significance (1 of 4 stars; one submission).

Conditions:
Hereditary spastic paraplegia 73. Also called: Spastic paraplegia 73, autosomal dominant. Identifiers: Orphanet 444099, MedGen C5568981, MONDO:0014568, OMIM 616282.

Allele frequency attached by ClinVar (database versions not stated): TOPMed 0.00001.
gnomAD v4.1: 2 of 1,613,896 alleles (0.00012%); highest among the groups gnomAD compares: Admixed American, 0.0017%; no homozygotes.

Submission:

Labcorp Genetics (formerly Invitae), Labcorp
Classification: Uncertain significance for Hereditary spastic paraplegia 73. Last evaluated: 2019-05-30. Review status: criteria provided, single submitter. Criteria: Invitae Variant Classification Sherloc (09022015). Collection method: clinical testing. Allele origin: germline.
Comment: In summary, the available evidence is currently insufficient to determine the role of this variant in disease. Therefore, it has been classified as a Variant of Uncertain Significance. Nucleotide substitutions within the consensus splice site are a relatively common cause of aberrant splicing (PMID: 17576681, 9536098). Algorithms developed to predict the effect of sequence changes on RNA splicing suggest that this variant may disrupt the consensus splice site, but this prediction has not been confirmed by published transcriptional studies. This variant has not been reported in the literature in individuals with CPT1C-related conditions. This variant is not present in population databases (ExAC no frequency). This sequence change affects codon 282 of the CPT1C mRNA. It is a 'silent' change, meaning that it does not change the encoded amino acid sequence of the CPT1C protein. This variant also falls at the last nucleotide of exon 9 of the CPT1C coding sequence, which is part of the consensus splice site for this exon.

Literature cited by the submitters: PubMed 17576681; PubMed 9536098.

NM_001199753.2(CPT1C):c.879G>T (p.Pro293=)

Gene: CPT1C (carnitine palmitoyltransferase 1C; plus strand). Cytogenetic location: 19q13.33.
Variant type: single nucleotide variant.
Coding change: c.879G>T on transcript NM_001199753.2 (MANE Select); coding-DNA position 879, G replaced by T.
Protein change: p.Pro293=; no amino-acid change (proline 293 retained).
Molecular consequence: synonymous variant. On other transcripts: non-coding transcript variant (1).
Genome position (GRCh38, 1-based): chr19:49,705,114, G>T. VCF-style: chr19-49705114-G-T. GRCh37 (hg19) VCF-style: chr19-50208371-G-T.
Other names: c.846G>T, p.Pro282= (NM_001136052.3, NM_001378482.1, NM_001378485.1 and 1 more transcripts); c.879G>T, p.Pro293= (NM_001199752.3, NM_001378483.1, NM_001378484.1 and 3 more transcripts).
Identifiers: ClinVar variation 852559 (VCV000852559.7), dbSNP rs1049933458, ClinGen allele CA309512457.